The following is an entry in ClinVar:

NC_000014.8:g.(?_60976117)_(61191013_?)dup

Genes: SIX4 (SIX homeobox 4; minus strand), SIX6 (SIX homeobox 6; plus strand), SIX1 (SIX homeobox 1; minus strand). Cytogenetic location: 14q23.1.
Variant type: Duplication.
Identifiers: ClinVar variation 999901 (VCV000999901.41).

ClinVar aggregate classification (germline): Uncertain significance (1 of 4 stars; one submission).

Conditions:
Branchiootic syndrome 3 (BOS3). Also called: BO SYNDROME 3. Identifiers: MedGen C1842124, MONDO:0012025, OMIM 608389.
Autosomal dominant nonsyndromic hearing loss 23. Identifiers: Orphanet 90635, MedGen C1854594, MONDO:0011519, OMIM 605192.

Submission:

Labcorp Genetics (formerly Invitae), Labcorp
Classification: Uncertain significance for Autosomal dominant nonsyndromic hearing loss 23; Branchiootic syndrome 3. Last evaluated: 2023-05-04. Review status: criteria provided, single submitter. Criteria: Invitae Variant Classification Sherloc (09022015). Collection method: clinical testing. Allele origin: germline.
Comment: In summary, the available evidence is currently insufficient to determine the role of this variant in disease. Therefore, it has been classified as a Variant of Uncertain Significance. Isolated whole-gene duplications of SIX1 have not been reported in the literature. However, larger copy number events that include this gene have been reported (PMID: 18666230). A copy number gain of the genomic region encompassing the full coding sequence of the SIX1 gene has been identified. The boundaries of this event are unknown as they extend beyond the assayed region for this gene and therefore may encompass additional genes. As the precise location of this event is unknown, it may be in tandem or it may be located elsewhere in the genome.

Literature cited by the submitters: PubMed 18666230.